The following is an entry in ClinVar:

ClinVar aggregate classification (germline): Uncertain significance. Review status: criteria provided, multiple submitters, no conflicts (2 of 4 stars). 2 submissions from 2 submitters: Uncertain significance (2). Last evaluated 2024-12-03.

Allele frequency attached by ClinVar (database versions not stated): gnomAD exomes below 0.00001; gnomAD 0.00001; TOPMed 0.00001.
gnomAD v4.1: 6 of 1,364,798 alleles (0.00044%); highest among the groups gnomAD compares: East Asian, 0.018%; no homozygotes.

Submissions (2):

Ambry Genetics
Classification: Uncertain significance. Last evaluated: 2024-12-03. Review status: criteria provided, single submitter. Criteria: Ambry Variant Classification Scheme 2023. Collection method: clinical testing. Allele origin: germline.

Labcorp Genetics (formerly Invitae), Labcorp
Classification: Uncertain significance. Last evaluated: 2024-08-10. Review status: criteria provided, single submitter. Criteria: Invitae Variant Classification Sherloc (09022015). Collection method: clinical testing. Allele origin: germline.
Comment: This sequence change replaces cysteine, which is neutral and slightly polar, with tyrosine, which is neutral and polar, at codon 105 of the DMRT2 protein (p.Cys105Tyr). This variant is present in population databases (no rsID available, gnomAD 0.1%). This variant has not been reported in the literature in individuals affected with DMRT2-related conditions. ClinVar contains an entry for this variant (Variation ID: 1490490). An algorithm developed to predict the effect of missense changes on protein structure and function (PolyPhen-2) suggests that this variant is likely to be tolerated. In summary, the available evidence is currently insufficient to determine the role of this variant in disease. Therefore, it has been classified as a Variant of Uncertain Significance.

NM_181872.6(DMRT2):c.314G>A (p.Cys105Tyr)

Gene: DMRT2 (doublesex and mab-3 related transcription factor 2; plus strand). Cytogenetic location: 9p24.3.
Variant type: single nucleotide variant.
Coding change: c.314G>A on transcript NM_181872.6 (MANE Select); coding-DNA position 314, G replaced by A.
Protein change: p.Cys105Tyr; replaces cysteine 105 with tyrosine.
Molecular consequence: missense variant. On other transcripts: 5 prime UTR variant (1), non-coding transcript variant (1).
Genome position (GRCh38, 1-based): chr9:1,051,927, G>A. VCF-style: chr9-1051927-G-A. GRCh37 (hg19) VCF-style: chr9-1051927-G-A.
Other names: c.314G>A, p.Cys105Tyr (NM_001130865.3, NM_001370531.1, NM_001370533.1 and 4 more transcripts); c.-337G>A (NM_001370532.1); c.314G>A (NM_181872.4); short protein forms C105Y.
Identifiers: ClinVar variation 1490490 (VCV001490490.7), dbSNP rs1474079992, ClinGen allele CA372773453.
Genomic context (GRCh38, chr9:1,051,927, plus strand): 5'-AGCCGAGGCCGCCGCTCGCGCCTCAGGCCTCACCCGCCGGCACCGGTCCCCGAGAGCGCT[G>A]CACTCCCGCGGGCGGCGGCGCGGAGCCGCGCAAGCTGAGCCGCACGCCCAAGTGCGCGCG-3'
Protein context (NP_870987.2, residues 95-115): SPAGTGPRER[Cys105Tyr]TPAGGGAEPR